The following is an entry in ClinVar:

ClinVar aggregate classification (germline): Uncertain significance. Review status: criteria provided, multiple submitters, no conflicts (2 of 4 stars). 2 submissions from 2 submitters: Uncertain significance (2). Last evaluated 2026-05-03.

Conditions:
Cardiovascular phenotype. Identifiers: MedGen CN230736.
Brittle cornea syndrome 1 (BCS1). Also called: FRAGILITAS OCULI WITH JOINT HYPEREXTENSIBILITY; Corneal fragility keratoglobus, blue sclerae AND joint hypermobility; CORNEAL FRAGILITY, KERATOGLOBUS, BLUE SCLERAE, JOINT HYPEREXTENSIBILITY; EDS6B; DYSGENESIS MESODERMALIS CORNEAE ET SCLERAE. Identifiers: Orphanet 90354, MedGen C0268344, MONDO:0024543, OMIM 229200.

gnomAD v4.1: 10 of 1,549,134 alleles (0.00065%); highest among the groups gnomAD compares: East Asian, 0.017%; no homozygotes.

Submissions (2):

Ambry Genetics
Classification: Uncertain significance for Cardiovascular phenotype. Last evaluated: 2026-05-03. Review status: criteria provided, single submitter. Criteria: Ambry Variant Classification Scheme 2023. Collection method: clinical testing. Allele origin: germline.
Comment: The p.G1611S variant (also known as c.4831G>A), located in coding exon 2 of the ZNF469 gene, results from a G to A substitution at nucleotide position 4831. The glycine at codon 1611 is replaced by serine, an amino acid with similar properties. This amino acid position is conserved. In addition, this alteration is predicted to be tolerated by in silico analysis. Based on the available evidence, the clinical significance of this variant remains unclear.

Fulgent Genetics
Classification: Uncertain significance for Brittle cornea syndrome 1. Last evaluated: 2024-03-30. Review status: criteria provided, single submitter. Criteria: ACMG Guidelines, 2015. Collection method: clinical testing. Allele origin: germline.

NM_001367624.2(ZNF469):c.4915G>A (p.Gly1639Ser)

Gene: ZNF469 (zinc finger protein 469; plus strand). Cytogenetic location: 16q24.2.
Variant type: single nucleotide variant.
Coding change: c.4915G>A on transcript NM_001367624.2 (MANE Select); coding-DNA position 4915, G replaced by A.
Protein change: p.Gly1639Ser; replaces glycine 1639 with serine.
Molecular consequence: missense variant.
Genome position (GRCh38, 1-based): chr16:88,432,385, G>A. VCF-style: chr16-88432385-G-A. GRCh37 (hg19) VCF-style: chr16-88498793-G-A.
Other names: NM_001127464.1:c.4831G>A; short protein forms G1639S.
Identifiers: ClinVar variation 3581325 (VCV003581325.2).